The following is an entry in ClinVar:

NM_015102.5(NPHP4):c.2283A>C (p.Gly761=)

Gene: NPHP4 (nephrocystin 4; minus strand). Cytogenetic location: 1p36.31.
Variant type: single nucleotide variant.
Coding change: c.2283A>C on transcript NM_015102.5 (MANE Select); coding-DNA position 2283, A replaced by C.
Protein change: p.Gly761=; no amino-acid change (glycine 761 retained).
Molecular consequence: synonymous variant. On other transcripts: non-coding transcript variant (1).
Genome position (GRCh38, 1-based): chr1:5,890,889, T>G on the plus strand (A>C on the coding strand, the complement: NPHP4 is on the minus strand). VCF-style: chr1-5890889-T-G. GRCh37 (hg19) VCF-style: chr1-5950949-T-G.
Other names: c.2283A>C (NM_015102.4); c.744A>C, p.Gly248= (NM_001291593.2); c.747A>C, p.Gly249= (NM_001291594.2).
Identifiers: ClinVar variation 1129999 (VCV001129999.11), dbSNP rs1644089451, ClinGen allele CA415792303.

ClinVar aggregate classification (germline): Likely benign. Review status: criteria provided, single submitter (1 of 4 stars). 2 submissions from 2 submitters: Likely benign (1). 1 of the submissions does not count toward it. Last evaluated 2025-11-13.

Conditions:
NPHP4-related disorder. Also called: NPHP4-related disorders; NPHP4-related condition. Identifiers: MedGen CN239384.
Nephronophthisis. Also called: Juvenile Nephronophthisis. Identifiers: Orphanet 655, MedGen C0687120, MONDO:0019005, HP:0000090.

Allele frequency attached by ClinVar (database versions not stated): gnomAD exomes below 0.00001; TOPMed below 0.00001; gnomAD 0.00001.
gnomAD v4.1: 5 of 1,610,272 alleles (0.00031%); highest among the groups gnomAD compares: Admixed American, 0.005%; no homozygotes.

Submissions (2):

Labcorp Genetics (formerly Invitae), Labcorp
Classification: Likely benign for Nephronophthisis. Last evaluated: 2025-11-13. Review status: criteria provided, single submitter. Criteria: Invitae Variant Classification Sherloc (09022015). Collection method: clinical testing. Allele origin: germline.

PreventionGenetics, part of Exact Sciences
Classification: Likely benign for NPHP4-related condition. Last evaluated: 2023-11-06. Review status: no assertion criteria provided. Collection method: clinical testing. Allele origin: germline. Not counted in ClinVar's aggregate classification.
Comment: This variant is classified as likely benign based on ACMG/AMP sequence variant interpretation guidelines (Richards et al. 2015 PMID: 25741868, with internal and published modifications).